The following is an entry in ClinVar:

ClinVar aggregate classification (germline): Uncertain significance. Review status: criteria provided, multiple submitters, no conflicts (2 of 4 stars). 3 submissions from 3 submitters: Uncertain significance (3). Last evaluated 2024-12-16.

Conditions:
Cardiovascular phenotype. Identifiers: MedGen CN230736.
Hereditary cancer-predisposing syndrome. Also called: Neoplastic Syndromes, Hereditary; Tumor predisposition; Hereditary Cancer Syndrome; Hereditary neoplastic syndrome. Identifiers: Orphanet 140162, MedGen C0027672, MeSH D009386, MONDO:0015356.
Neurofibromatosis, type 1 (NF1). Also called: VON RECKLINGHAUSEN DISEASE; NEUROFIBROMATOSIS, TYPE I, SOMATIC; Neurofibromatosis, type I; Peripheral type neurofibromatosis. Identifiers: Orphanet 636, MedGen C0027831, MONDO:0018975, OMIM 162200. Disease mechanism: loss of function.

Submissions (3):

Labcorp Genetics (formerly Invitae), Labcorp
Classification: Uncertain significance for Neurofibromatosis, type 1. Last evaluated: 2024-12-16. Review status: criteria provided, single submitter. Criteria: Invitae Variant Classification Sherloc (09022015). Collection method: clinical testing. Allele origin: germline.
Comment: This sequence change replaces serine, which is neutral and polar, with proline, which is neutral and non-polar, at codon 1733 of the NF1 protein (p.Ser1733Pro). This variant is not present in population databases (gnomAD no frequency). This missense change has been observed in individual(s) with clinical features of neurofibromatosis type 1 (PMID: 31776437; internal data). ClinVar contains an entry for this variant (Variation ID: 1745947). Invitae Evidence Modeling of protein sequence and biophysical properties (such as structural, functional, and spatial information, amino acid conservation, physicochemical variation, residue mobility, and thermodynamic stability) indicates that this missense variant is not expected to disrupt NF1 protein function with a negative predictive value of 95%. In summary, the available evidence is currently insufficient to determine the role of this variant in disease. Therefore, it has been classified as a Variant of Uncertain Significance.

Institute for Clinical Genetics, University Hospital TU Dresden, University Hospital TU Dresden
Classification: Uncertain significance. Last evaluated: 2022-08-24. Review status: criteria provided, single submitter. Criteria: ACMG Guidelines, 2015. Collection method: clinical testing. Allele origin: germline.
Comment: PM1, PM2_SUP, PP2

Ambry Genetics
Classification: Uncertain significance for Cardiovascular phenotype; Hereditary cancer-predisposing syndrome. Last evaluated: 2020-06-03. Review status: criteria provided, single submitter. Criteria: Ambry Variant Classification Scheme 2023. Collection method: clinical testing. Allele origin: germline.
Comment: The p.S1733P variant (also known as c.5197T>C), located in coding exon 36 of the NF1 gene, results from a T to C substitution at nucleotide position 5197. The serine at codon 1733 is replaced by proline, an amino acid with similar properties. This alteration was identified in a cohort of Korean patients with a confirmed or suspected clinical diagnosis of neurofibromatosis type 1 (Kang E et al. J. Hum. Genet. 2020 Jan;65:79-89). This amino acid position is well conserved in available vertebrate species. In addition, this alteration is predicted to be tolerated by in silico analysis. Since supporting evidence is limited at this time, the clinical significance of this alteration remains unclear.

Literature cited by the submitters: PubMed 31776437 (cited by Labcorp Genetics (formerly Invitae), Labcorp).

NM_001042492.3(NF1):c.5260T>C (p.Ser1754Pro)

Gene: NF1 (neurofibromin 1; plus strand). Cytogenetic location: 17q11.2.
Variant type: single nucleotide variant.
Coding change: c.5260T>C on transcript NM_001042492.3 (MANE Select); coding-DNA position 5260, T replaced by C.
Protein change: p.Ser1754Pro; replaces serine 1754 with proline.
Molecular consequence: missense variant.
Genome position (GRCh38, 1-based): chr17:31,326,244, T>C. VCF-style: chr17-31326244-T-C. GRCh37 (hg19) VCF-style: chr17-29653262-T-C.
Other names: c.5197T>C, p.Ser1733Pro (NM_000267.4); short protein forms S1733P, S1754P.
Identifiers: ClinVar variation 1745947 (VCV001745947.6), dbSNP rs891138800, ClinGen allele CA399008396.